The following is an entry in ClinVar:

GRCh38/hg38 16p13.3(chr16:2089647-2096105)x1

Genes: MIR1225 (microRNA 1225; minus strand), PKD1 (polycystin 1, transient receptor potential channel interacting; minus strand), PKD1-AS1 (PKD1 antisense RNA 1; plus strand). Cytogenetic location: 16p13.3.
Variant type: copy number loss.
Change: copy number 1 (one copy instead of two) of chr16:2,089,647-2,096,105 (6.5 kb, GRCh38 coordinates, 1-based), cytogenetic band 16p13.3.
Identifiers: ClinVar variation 58246 (VCV000058246.2).

ClinVar aggregate classification (germline): Likely pathogenic (1 of 4 stars; one submission).

Submission:

ISCA site 14
Classification: Likely pathogenic. Last evaluated: 2017-09-06. Review status: criteria provided, single submitter. Criteria: Kaminsky et al. (Genet Med. 2011). Collection method: clinical testing. Allele origin: unknown. Affected: yes. Observed: 1 variant allele.
Comment: Copy number variation identified through the course of routine clinical cytogenomic testing in postnatal populations. Clinical assertions have been curated as described in Kaminsky et al. 2011.